The following is an entry in ClinVar:

NM_000051.4(ATM):c.2250+8A>T

Gene: ATM (ATM serine/threonine kinase; plus strand). Cytogenetic location: 11q22.3.
Variant type: single nucleotide variant.
Coding change: c.2250+8A>T on transcript NM_000051.4 (MANE Select); 8 bases into the intron after coding-DNA position 2250, A replaced by T.
Molecular consequence: intron variant.
Genome position (GRCh38, 1-based): chr11:108,256,348, A>T. VCF-style: chr11-108256348-A-T. GRCh37 (hg19) VCF-style: chr11-108127075-A-T.
Other names: c.2250+8A>T (NM_001351834.2).
Identifiers: ClinVar variation 490460 (VCV000490460.12), dbSNP rs1555075054, ClinGen allele CA658683736.

ClinVar aggregate classification (germline): Likely benign. Review status: criteria provided, multiple submitters, no conflicts (2 of 4 stars). 3 submissions from 3 submitters: Likely benign (3). Last evaluated 2024-05-07.

Conditions:
Hereditary cancer-predisposing syndrome. Also called: Tumor predisposition; Neoplastic Syndromes, Hereditary; Hereditary Cancer Syndrome; Hereditary neoplastic syndrome. Identifiers: Orphanet 140162, MedGen C0027672, MeSH D009386, MONDO:0015356.
Ataxia-telangiectasia syndrome (AT). Also called: Ataxia-telangiectasia; Ataxia-telangiectasia, complementation group D; AT, COMPLEMENTATION GROUP C; LOUIS-BAR SYNDROME; Cerebello-oculocutaneous telangiectasia; Immunodeficiency with ataxia telangiectasia. Identifiers: Orphanet 100, MedGen C0004135, MONDO:0008840, OMIM 208900.
Familial cancer of breast. Also called: BREAST CANCER, FAMILIAL; hereditary breast carcinoma; Hereditary breast cancer. Identifiers: Orphanet 227535, MedGen C0346153, MONDO:0016419, OMIM 114480. Disease mechanism: loss of function.

Submissions (3):

Myriad Genetics, Inc.
Classification: Likely benign for Familial cancer of breast. Last evaluated: 2024-05-07. Review status: criteria provided, single submitter. Criteria: Myriad Autosomal Dominant, Autosomal Recessive and X-Linked Classification Criteria (2023). Collection method: clinical testing. Allele origin: unknown.
Comment: This variant is considered likely benign. This variant is intronic and is not expected to impact mRNA splicing.

Labcorp Genetics (formerly Invitae), Labcorp
Classification: Likely benign for Ataxia-telangiectasia syndrome. Last evaluated: 2024-01-31. Review status: criteria provided, single submitter. Criteria: Invitae Variant Classification Sherloc (09022015). Collection method: clinical testing. Allele origin: germline.

Color Diagnostics, LLC DBA Color Health
Classification: Likely benign for Hereditary cancer-predisposing syndrome. Last evaluated: 2017-06-07. Review status: criteria provided, single submitter. Criteria: ACMG Guidelines, 2015. Collection method: clinical testing. Allele origin: germline.